The following is an entry in ClinVar:

NM_000048.4(ASL):c.332G>A (p.Arg111Gln)

Gene: ASL (argininosuccinate lyase; plus strand). Cytogenetic location: 7q11.21.
Variant type: single nucleotide variant.
Coding change: c.332G>A on transcript NM_000048.4 (MANE Select); coding-DNA position 332, G replaced by A.
Protein change: p.Arg111Gln; replaces arginine 111 with glutamine.
Molecular consequence: missense variant.
Genome position (GRCh38, 1-based): chr7:66,082,920, G>A. VCF-style: chr7-66082920-G-A. GRCh37 (hg19) VCF-style: chr7-65547907-G-A.
Other names: c.332G>A, p.Arg111Gln (NM_001024943.2, NM_001024944.2, NM_001024946.2); short protein forms R111Q.
Identifiers: ClinVar variation 288770 (VCV000288770.39), dbSNP rs561367199, ClinGen allele CA4276905.

ClinVar aggregate classification (germline): Conflicting classifications of pathogenicity. Review status: criteria provided, conflicting classifications (1 of 4 stars). 11 submissions from 11 submitters: Pathogenic (4); Likely pathogenic (3); Uncertain significance (2). 2 of the submissions do not count toward it. Last evaluated 2026-06-11.

Conditions:
Argininosuccinate lyase deficiency. Also called: Argininosuccinic aciduria; ARGININOSUCCINIC ACID LYASE DEFICIENCY; ASL DEFICIENCY. Identifiers: Orphanet 23, MedGen C0268547, MONDO:0008815, OMIM 207900, HP:0025630.

Allele frequency attached by ClinVar (database versions not stated): gnomAD 0.00001; gnomAD exomes 0.00001 and 0.00006; TOPMed 0.00001; ExAC 0.00006; 1000 Genomes Project 30x 0.00016; 1000 Genomes Project 0.00020.
gnomAD v4.1: 23 of 1,613,630 alleles (0.0014%); highest among the groups gnomAD compares: Middle Eastern, 0.033%; 1 homozygote.

Submissions (11):

Myriad Genetics, Inc.
Classification: Uncertain significance for Argininosuccinate lyase deficiency. Last evaluated: 2026-06-11. Review status: criteria provided, single submitter. Criteria: Myriad Autosomal Dominant, Autosomal Recessive and X-Linked Classification Criteria (2023). Collection method: clinical testing. Allele origin: unknown.
Comment: NM_001024943.1(ASL):c.332G>A(R111Q) is a missense variant classified as a variant of uncertain significance in the context of argininosuccinic aciduria. R111Q has been observed in cases with relevant disease (PMID: 26589311, 37799141). Relevant functional assessments of this variant are not available in the literature. R111Q has been observed in referenced population frequency databases. In summary, there is insufficient evidence to classify NM_001024943.1(ASL):c.332G>A(R111Q) as pathogenic or benign. Please note: this variant was assessed in the context of healthy population screening.

Labcorp Genetics (formerly Invitae), Labcorp
Classification: Pathogenic for Argininosuccinate lyase deficiency. Last evaluated: 2026-01-26. Review status: criteria provided, single submitter. Criteria: Invitae Variant Classification Sherloc (09022015). Collection method: clinical testing. Allele origin: germline.
Comment: This sequence change replaces arginine, which is basic and polar, with glutamine, which is neutral and polar, at codon 111 of the ASL protein (p.Arg111Gln). This variant is present in population databases (rs561367199, gnomAD 0.04%). This missense change has been observed in individual(s) with argininosuccinate lyase deficiency (PMID: 24516753; internal data). ClinVar contains an entry for this variant (Variation ID: 288770). Invitae Evidence Modeling of protein sequence and biophysical properties (such as structural, functional, and spatial information, amino acid conservation, physicochemical variation, residue mobility, and thermodynamic stability) indicates that this missense variant is expected to disrupt ASL protein function with a positive predictive value of 95%. This variant disrupts the p.Arg111 amino acid residue in ASL. Other variant(s) that disrupt this residue have been observed in individuals with ASL-related conditions (PMID: 1705937), which suggests that this may be a clinically significant amino acid residue. For these reasons, this variant has been classified as Pathogenic.

Natera, Inc.
Classification: Likely pathogenic for Argininosuccinate lyase deficiency. Last evaluated: 2025-11-17. Review status: criteria provided, single submitter. Criteria: Natera Variant Classification Schema (03/2026). Collection method: clinical testing. Allele origin: germline.
Comment: The c.332G>A variant in ASL is a missense variant predicted to cause substitution of arginine to glutamine at amino acid 111. This variant is rare in the general population with a frequency below the threshold expected for the associated phenotype(s). This variant has been observed in one or more individuals affected with the associated recessive disease, as either homozygous or compound heterozygous with a second variant (PMID: 34374989). A different variant at the same position has been determined to be Pathogenic or Likely Pathogenic. Computational prediction algorithms indicate this variant is likely to affect gene or protein function. Given the available evidence, this variant is classified as Likely Pathogenic.

Genomic Medicine Center of Excellence, King Faisal Specialist Hospital and Research Centre
Classification: Pathogenic for Argininosuccinate lyase deficiency. Last evaluated: 2025-09-10. Review status: criteria provided, single submitter. Criteria: ACMG Guidelines, 2015. Collection method: clinical testing. Allele origin: germline.

Dubai Health Genomic Medicine Center, Dubai Health
Classification: Likely pathogenic for Argininosuccinic aciduria. Last evaluated: 2024-10-04. Review status: criteria provided, single submitter. Criteria: ACMG Guidelines, 2015. Collection method: research. Allele origin: germline. Affected: yes.
Comment: PM5,PM2,PM3(moderate),PP1,PM1,PP3

Fulgent Genetics
Classification: Pathogenic for Argininosuccinate lyase deficiency. Last evaluated: 2024-04-18. Review status: criteria provided, single submitter. Criteria: ACMG Guidelines, 2015. Collection method: clinical testing. Allele origin: germline.

Women's Health and Genetics/Laboratory Corporation of America, LabCorp
Classification: Pathogenic for Argininosuccinate lyase deficiency. Last evaluated: 2023-08-02. Review status: criteria provided, single submitter. Criteria: LabCorp Variant Classification Summary - May 2015. Collection method: clinical testing. Allele origin: germline.
Comment: Variant summary: ASL c.332G>A (p.Arg111Gln) results in a conservative amino acid change located in the Fumarate lyase, N-terminal domain (IPR022761) of the encoded protein sequence. Four of five in-silico tools predict a damaging effect of the variant on protein function. The variant allele was found at a frequency of 6e-05 in 250184 control chromosomes (gnomAD). This frequency is not significantly higher than estimated for a pathogenic variant in ASL causing Argininosuccinic Aciduria (6e-05 vs 0.0042), allowing no conclusion about variant significance. c.332G>A has been reported in the literature in multiple homozygous individuals affected with Argininosuccinic Aciduria (e.g., Al-Shamsi_2014, Al-Jasmi_2016, Saleh_2021). These data indicate that the variant is very likely to be associated with disease. To our knowledge, no experimental evidence demonstrating an impact on protein function has been reported. The following publications have been ascertained in the context of this evaluation (PMID: 26589311, 24516753, 34374989). Four submitters have reported clinical-significance assessments for this variant to ClinVar after 2014. Multiple submitters reported the variant with conflicting assessments (pathogenic, n = 1; likely pathogenic, n = 1; uncertain significance, n = 2). Additionally, a different missense variant disrupting the same codon, c.331C>T (p.Arg111Trp), has been reported in patients with Argininosuccinic Aciduria (PMIDs: 1705937, 31737040, 33611823) and classified as likely pathogenic by our lab. Based on the evidence outlined above, the variant was classified as pathogenic.

Eurofins Ntd Llc (ga)
Classification: Uncertain significance. Last evaluated: 2016-06-30. Review status: criteria provided, single submitter. Criteria: EGL Classification Definitions 2015. Collection method: clinical testing. Allele origin: germline. Observed: 1 variant allele, 1 homozygote.

GeneDx
Classification: Likely pathogenic. Last evaluated: 2016-04-15. Review status: criteria provided, single submitter. Criteria: GeneDx Variant Classification (06012015). Collection method: clinical testing. Allele origin: germline. Affected: yes.
Comment: The R111Q variant has been published in a patient with argininosuccinic aciduria who was homozygous for R111Q and who was diagnosed following an abnormal newborn screening result (Al-Shamsi et al. 2014). The R111Q variant was not observed with any significant frequency in either the 1000 Genomes Project Consortium or in approximately 6500 individuals of European and African American ancestry in the NHLBI Exome Sequencing Project. The R111Q variant is a semi-conservative amino acid substitution, which may impact secondary protein structure as these residues differ in some properties. This substitution occurs at a position that is conserved across species. In silico analysis predicts this variant is probably damaging to the protein structure/function. Therefore, this variant is likely pathogenic; however, the possibility that it is benign cannot be excluded.

Clinical Laboratory Sciences Program (CLSP), King Saud bin Abdulaziz University for Health Sciences (KSAU-HS)
Classification: Pathogenic for Argininosuccinate lyase deficiency. Last evaluated: 2023-04-01. Review status: no assertion criteria provided. Collection method: clinical testing. Allele origin: germline. Affected: yes. Not counted in ClinVar's aggregate classification.

Counsyl
Classification: Uncertain significance for Argininosuccinate lyase deficiency. Last evaluated: 2017-08-23. Review status: no assertion criteria provided. Collection method: clinical testing. Allele origin: unknown. Not counted in ClinVar's aggregate classification.

Literature cited by the submitters: PubMed 26589311 (cited by Myriad Genetics, Inc. and Women's Health and Genetics/Laboratory Corporation of America, LabCorp); PubMed 37799141 (cited by Myriad Genetics, Inc.); PubMed 24516753 (cited by 3 submitters); PubMed 1705937 (cited by Labcorp Genetics (formerly Invitae), Labcorp); PubMed 34374989 (cited by Natera, Inc. and Women's Health and Genetics/Laboratory Corporation of America, LabCorp).